The following is an entry in ClinVar:

ClinVar aggregate classification (germline): Conflicting classifications of pathogenicity. Review status: criteria provided, conflicting classifications (1 of 4 stars). 2 submissions from 2 submitters: Uncertain significance (1); Likely benign (1). Last evaluated 2024-10-11.

Conditions:
Inborn genetic diseases. Identifiers: MedGen C0950123, MeSH D030342.
Fleck corneal dystrophy (CFD). Also called: CORNEAL DYSTROPHY, FRANCOIS-NEETENS SPECKLED OR FLECKED. Identifiers: Orphanet 98970, MedGen C1562113, MONDO:0007376, OMIM 121850.

Allele frequency attached by ClinVar (database versions not stated): ExAC 0.00002; gnomAD exomes 0.00004 and 0.00006; gnomAD 0.00007 and 0.00008; TOPMed 0.00007; ESP Exome Variant Server 0.00008.
gnomAD v4.1: 102 of 1,613,156 alleles (0.0063%); highest among the groups gnomAD compares: Non-Finnish European, 0.0078%; no homozygotes.

Submissions (2):

Ambry Genetics
Classification: Uncertain significance for Inborn genetic diseases. Last evaluated: 2024-10-11. Review status: criteria provided, single submitter. Criteria: Ambry Variant Classification Scheme 2023. Collection method: clinical testing. Allele origin: germline.

Illumina Laboratory Services, Illumina
Classification: Likely benign for Fleck corneal dystrophy. Last evaluated: 2018-01-13. Review status: criteria provided, single submitter. Criteria: ICSL Variant Classification Criteria 13 December 2019. Collection method: clinical testing. Allele origin: germline.
Comment: This variant was observed in the ICSL laboratory as part of a predisposition screen in an ostensibly healthy population. It had not been previously curated by ICSL or reported in the Human Gene Mutation Database (HGMD: prior to June 1st, 2018), and was therefore a candidate for classification through an automated scoring system. Utilizing variant allele frequency, disease prevalence and penetrance estimates, and inheritance mode, an automated score was calculated to assess if this variant is too frequent to cause the disease. Based on the score and internal cut-off values, a variant classified as likely benign is not then subjected to further curation. The score for this variant resulted in a classification of likely benign for this disease.

NM_015040.4(PIKFYVE):c.5137A>G (p.Ser1713Gly)

Gene: PIKFYVE (phosphoinositide kinase, FYVE-type zinc finger containing; plus strand). Cytogenetic location: 2q34.
Variant type: single nucleotide variant.
Coding change: c.5137A>G on transcript NM_015040.4 (MANE Select); coding-DNA position 5137, A replaced by G.
Protein change: p.Ser1713Gly; replaces serine 1713 with glycine.
Molecular consequence: missense variant.
Genome position (GRCh38, 1-based): chr2:208,346,075, A>G. VCF-style: chr2-208346075-A-G. GRCh37 (hg19) VCF-style: chr2-209210799-A-G.
Other names: short protein forms S1713G.
Identifiers: ClinVar variation 898557 (VCV000898557.5), dbSNP rs376604887, ClinGen allele CA2080545.
Genomic context (GRCh38, chr2:208,346,075, plus strand): 5'-AACTAAATTTTTCTTTTTTTTTCTTTTCATTTTAGTACTTCAGATAGCAGACCAAAGAGT[A>G]GCAGCCCTATCAGATTACCTGAAATGAGTGGAGGACAGACAAATCGTACAACAGAAACAG-3'
Protein context (NP_055855.2, residues 1703-1723): NSTSDSRPKS[Ser1713Gly]SPIRLPEMSG